The following is an entry in ClinVar:

ClinVar aggregate classification (germline): Uncertain significance. Review status: criteria provided, multiple submitters, no conflicts (2 of 4 stars). 2 submissions from 2 submitters: Uncertain significance (2). Last evaluated 2025-07-24.

Conditions:
Hereditary cancer-predisposing syndrome. Also called: Hereditary Cancer Syndrome; Tumor predisposition; Hereditary neoplastic syndrome; Neoplastic Syndromes, Hereditary. Identifiers: Orphanet 140162, MedGen C0027672, MeSH D009386, MONDO:0015356.
Familial cancer of breast. Also called: Hereditary breast cancer; hereditary breast carcinoma; BREAST CANCER, FAMILIAL. Identifiers: Orphanet 227535, MedGen C0346153, MONDO:0016419, OMIM 114480. Disease mechanism: loss of function.

Submissions (2):

Ambry Genetics
Classification: Uncertain significance for Hereditary cancer-predisposing syndrome. Last evaluated: 2025-07-24. Review status: criteria provided, single submitter. Criteria: Ambry Variant Classification Scheme 2023. Collection method: clinical testing. Allele origin: germline.
Comment: The p.F1181I variant (also known as c.3541T>A), located in coding exon 13 of the PALB2 gene, results from a T to A substitution at nucleotide position 3541. The phenylalanine at codon 1181 is replaced by isoleucine, an amino acid with highly similar properties. This amino acid position is conserved. In addition, this alteration is predicted to be tolerated by in silico analysis. Based on the available evidence, the clinical significance of this variant remains unclear.

Labcorp Genetics (formerly Invitae), Labcorp
Classification: Uncertain significance for Familial cancer of breast. Last evaluated: 2024-06-30. Review status: criteria provided, single submitter. Criteria: Invitae Variant Classification Sherloc (09022015). Collection method: clinical testing. Allele origin: germline.
Comment: This sequence change replaces phenylalanine, which is neutral and non-polar, with isoleucine, which is neutral and non-polar, at codon 1181 of the PALB2 protein (p.Phe1181Ile). This variant is not present in population databases (gnomAD no frequency). This variant has not been reported in the literature in individuals affected with PALB2-related conditions. An algorithm developed to predict the effect of missense changes on protein structure and function (PolyPhen-2) suggests that this variant is likely to be disruptive. In summary, the available evidence is currently insufficient to determine the role of this variant in disease. Therefore, it has been classified as a Variant of Uncertain Significance.

NM_024675.4(PALB2):c.3541T>A (p.Phe1181Ile)

Gene: PALB2 (partner and localizer of BRCA2; minus strand). Cytogenetic location: 16p12.2.
Variant type: single nucleotide variant.
Coding change: c.3541T>A on transcript NM_024675.4 (MANE Select); coding-DNA position 3541, T replaced by A.
Protein change: p.Phe1181Ile; replaces phenylalanine 1181 with isoleucine.
Molecular consequence: missense variant. On other transcripts: 3 prime UTR variant (5).
Genome position (GRCh38, 1-based): chr16:23,603,479, A>T on the plus strand (T>A on the coding strand, the complement: PALB2 is on the minus strand). VCF-style: chr16-23603479-A-T. GRCh37 (hg19) VCF-style: chr16-23614800-A-T.
Other names: c.3481T>A, p.Phe1161Ile (NM_001407296.1); c.3469T>A, p.Phe1157Ile (NM_001407297.1); c.3379T>A, p.Phe1127Ile (NM_001407298.1); c.3304T>A, p.Phe1102Ile (NM_001407299.1); c.3262T>A, p.Phe1088Ile (NM_001407300.1); c.*176T>A (NM_001407301.1, NM_001407302.1, NM_001407310.1 and 2 more transcripts); c.2656T>A, p.Phe886Ile (NM_001407304.1, NM_001407305.1, NM_001407306.1); c.2494T>A, p.Phe832Ile (NM_001407307.1); and 3 more; short protein forms F1181I, F585I, F886I, F1127I, F359I, F832I, F1102I, F1088I.
Identifiers: ClinVar variation 3658258 (VCV003658258.3).